The following is an entry in ClinVar:

ClinVar aggregate classification (germline): Uncertain significance (1 of 4 stars; one submission).

Conditions:
Inborn genetic diseases. Identifiers: MedGen C0950123, MeSH D030342.

Submission:

Ambry Genetics
Classification: Uncertain significance for Inborn genetic diseases. Last evaluated: 2021-10-12. Review status: criteria provided, single submitter. Criteria: Ambry Variant Classification Scheme 2023. Collection method: clinical testing. Allele origin: germline.
Comment: The p.K990Q variant (also known as c.2968A>C), located in coding exon 8 of the SETX gene, results from an A to C substitution at nucleotide position 2968. The lysine at codon 990 is replaced by glutamine, an amino acid with similar properties. This amino acid position is conserved. In addition, the in silico prediction for this alteration is inconclusive. Since supporting evidence is limited at this time, the clinical significance of this alteration remains unclear.

NM_015046.7(SETX):c.2968A>C (p.Lys990Gln)

Gene: SETX (senataxin; minus strand). Cytogenetic location: 9q34.13.
Variant type: single nucleotide variant.
Coding change: c.2968A>C on transcript NM_015046.7 (MANE Select); coding-DNA position 2968, A replaced by C.
Protein change: p.Lys990Gln; replaces lysine 990 with glutamine.
Molecular consequence: missense variant.
Genome position (GRCh38, 1-based): chr9:132,328,630, T>G on the plus strand (A>C on the coding strand, the complement: SETX is on the minus strand). VCF-style: chr9-132328630-T-G. GRCh37 (hg19) VCF-style: chr9-135204017-T-G.
Other names: c.2968A>C, p.Lys990Gln (NM_001351527.2, NM_001351528.2); short protein forms K990Q.
Identifiers: ClinVar variation 1798241 (VCV001798241.2), dbSNP rs2539115341, ClinGen allele CA375333040.